The following is an entry in ClinVar:

ClinVar aggregate classification (germline): Uncertain significance (1 of 4 stars; one submission).

gnomAD v4.1: 13 of 1,608,896 alleles (0.00081%); highest among the groups gnomAD compares: Admixed American, 0.0067%; no homozygotes.

Submission:

Labcorp Genetics (formerly Invitae), Labcorp
Classification: Uncertain significance. Last evaluated: 2024-05-29. Review status: criteria provided, single submitter. Criteria: Invitae Variant Classification Sherloc (09022015). Collection method: clinical testing. Allele origin: germline.
Comment: This sequence change replaces glutamic acid, which is acidic and polar, with lysine, which is basic and polar, at codon 294 of the IGF1R protein (p.Glu294Lys). This variant is present in population databases (rs201529410, gnomAD 0.006%). This variant has not been reported in the literature in individuals affected with IGF1R-related conditions. Advanced modeling of protein sequence and biophysical properties (such as structural, functional, and spatial information, amino acid conservation, physicochemical variation, residue mobility, and thermodynamic stability) performed at Invitae indicates that this missense variant is not expected to disrupt IGF1R protein function with a negative predictive value of 80%. In summary, the available evidence is currently insufficient to determine the role of this variant in disease. Therefore, it has been classified as a Variant of Uncertain Significance.

NM_000875.5(IGF1R):c.880G>A (p.Glu294Lys)

Gene: IGF1R (insulin like growth factor 1 receptor; plus strand). Cytogenetic location: 15q26.3.
Variant type: single nucleotide variant.
Coding change: c.880G>A on transcript NM_000875.5 (MANE Select); coding-DNA position 880, G replaced by A.
Protein change: p.Glu294Lys; replaces glutamic acid 294 with lysine.
Molecular consequence: missense variant.
Genome position (GRCh38, 1-based): chr15:98,891,564, G>A. VCF-style: chr15-98891564-G-A. GRCh37 (hg19) VCF-style: chr15-99434793-G-A.
Other names: c.880G>A, p.Glu294Lys (NM_001291858.2); short protein forms E294K.
Identifiers: ClinVar variation 3708318 (VCV003708318.2).